The following is an entry in ClinVar:

ClinVar aggregate classification (germline): Uncertain significance (1 of 4 stars; one submission).

Conditions:
Hereditary spastic paraplegia 8 (SPG8). Also called: SPASTIC PARAPLEGIA 8, AUTOSOMAL DOMINANT. Identifiers: Orphanet 100989, MedGen C1863704, MONDO:0011339, OMIM 603563.
Ritscher-Schinzel syndrome 1 (RTSC1). Identifiers: Orphanet 7, MedGen C4551776, MONDO:0009073, OMIM 220210.

gnomAD v4.1: 1 of 1,614,186 alleles (0.000062%); highest among the groups gnomAD compares: Non-Finnish European, 0.000085%; no homozygotes.

Submission:

Juno Genomics, Hangzhou Juno Genomics, Inc
Classification: Uncertain significance for Ritscher-Schinzel syndrome 1; Hereditary spastic paraplegia 8. Review status: criteria provided, single submitter. Criteria: ACMG Guidelines, 2015. Collection method: clinical testing. Allele origin: germline.
Comment: Absent from controls (or at extremely low frequency if recessive) in Genome Aggregation Database.;Multiple lines of computational evidence support a deleterious effect on the gene or gene product.

NM_014846.4(WASHC5):c.2141T>C (p.Leu714Pro)

Gene: WASHC5 (WASH complex subunit 5; minus strand). Cytogenetic location: 8q24.13.
Variant type: single nucleotide variant.
Coding change: c.2141T>C on transcript NM_014846.4 (MANE Select); coding-DNA position 2141, T replaced by C.
Protein change: p.Leu714Pro; replaces leucine 714 with proline.
Molecular consequence: missense variant.
Genome position (GRCh38, 1-based): chr8:125,050,622, A>G on the plus strand (T>C on the coding strand, the complement: WASHC5 is on the minus strand). VCF-style: chr8-125050622-A-G. GRCh37 (hg19) VCF-style: chr8-126062864-A-G.
Other names: c.1697T>C, p.Leu566Pro (NM_001330609.2); short protein forms L566P, L714P.
Identifiers: ClinVar variation 5007270 (VCV005007270.2).